The following is an entry in ClinVar:

ClinVar aggregate classification (germline): Benign. Review status: criteria provided, multiple submitters, no conflicts (2 of 4 stars). 3 submissions from 3 submitters: Benign (3). Last evaluated 2026-01-25.

Allele frequency attached by ClinVar (database versions not stated): 1000 Genomes Project 0.00379; gnomAD 0.00387 and 0.00424; ESP Exome Variant Server 0.00409; 1000 Genomes Project 30x 0.00422; TOPMed 0.00455.
gnomAD v4.1: 1,233 of 1,613,992 alleles (0.076%); highest among the groups gnomAD compares: African/African-American, 1.4%; 8 homozygotes.

Submissions (3):

Labcorp Genetics (formerly Invitae), Labcorp
Classification: Benign. Last evaluated: 2026-01-25. Review status: criteria provided, single submitter. Criteria: Invitae Variant Classification Sherloc (09022015). Collection method: clinical testing. Allele origin: germline.

Mayo Clinic Laboratories, Mayo Clinic
Classification: Benign. Last evaluated: 2023-06-21. Review status: criteria provided, single submitter. Criteria: ACMG Guidelines, 2015. Collection method: clinical testing. Allele origin: germline. Observed: 2 variant alleles.
Comment: BS1, BS2, BP4, BP7

Breakthrough Genomics
Classification: Benign. Review status: criteria provided, single submitter. Criteria: ACMG Guidelines, 2015. Collection method: not provided. Allele origin: germline. Inheritance: Autosomal recessive inheritance. Affected: yes.

NM_130810.4(DNAAF4):c.384C>T (p.Tyr128=)

Genes: DNAAF4-CCPG1 (DNAAF4-CCPG1 readthrough (NMD candidate); minus strand), DNAAF4 (dynein axonemal assembly factor 4; minus strand). Cytogenetic location: 15q21.3.
Variant type: single nucleotide variant.
Coding change: c.384C>T on transcript NM_130810.4 (MANE Select); coding-DNA position 384, C replaced by T.
Protein change: p.Tyr128=; no amino-acid change (tyrosine 128 retained).
Molecular consequence: synonymous variant. On other transcripts: non-coding transcript variant (1).
Genome position (GRCh38, 1-based): chr15:55,491,144, G>A on the plus strand (C>T on the coding strand, the complement: DNAAF4 is on the minus strand). VCF-style: chr15-55491144-G-A. GRCh37 (hg19) VCF-style: chr15-55783342-G-A.
Other names: p.Tyr128=; c.384C>T, p.Tyr128= (NM_001033559.3, NM_001033560.2).
Identifiers: ClinVar variation 241832 (VCV000241832.14), dbSNP rs57914590, ClinGen allele CA7575062.
Genomic context (GRCh38, chr15:55,491,144, plus strand): 5'-TATCTCTTTAGAGGACTTGCCTGTCATTCTGCAACTTACCTTCATCATGACACTTAGTGC[G>A]TATTTTTGATCTTCCCGCTTTGCTGCAGCTTTTGCTTCTGTAGCTTCTTTTGCTCTCTCT-3'
Protein context (NP_570722.2, residues 118-138): KAAAKREDQK[Tyr128=]ALSVMMKIEE